The following is an entry in ClinVar:

ClinVar aggregate classification (germline): Uncertain significance (1 of 4 stars; one submission).

Conditions:
Fabry disease. Also called: Fabry's disease; ALPHA-GALACTOSIDASE A DEFICIENCY; ANDERSON-FABRY DISEASE; CERAMIDE TRIHEXOSIDASE DEFICIENCY; GLA DEFICIENCY; HEREDITARY DYSTOPIC LIPIDOSIS. Identifiers: Orphanet 324, MedGen C0002986, MONDO:0010526, OMIM 301500, HP:0001071. Disease mechanism: Fabry disease is due to inactivating mutations in the X-linked GLA gene resulting in deficiency of the enzyme Alpha Galactosidase-A., loss of function.

Submission:

Genomenon, Inc
Classification: Uncertain significance for Fabry disease. Last evaluated: 2026-09-08. Review status: criteria provided, single submitter. Criteria: Genomenon Sequence Variant Interpretation Standards - Updated. Collection method: curation. Allele origin: germline. Affected: no.
Comment: GLA p.Ser276Cys (c.826A>T) is a missense variant that changes the amino acid at codon 276 from Serine to Cysteine. This variant has been reported in the published literature (PMID:15776423). The presence of pathogenic/likely pathogenic missense variant(s) at the same amino acid position indicates that this residue is likely important for protein function. It is absent or not present at a significant frequency in gnomAD. In silico models predict that this variant is possibly or probably damaging. In conclusion, we classify GLA p.Ser276Cys (c.826A>T) as a variant of uncertain significance.

Literature cited by the submitters: PubMed 15776423.

NM_000169.3(GLA):c.826A>T (p.Ser276Cys)

Genes: GLA (galactosidase alpha; minus strand), RPL36A-HNRNPH2 (RPL36A-HNRNPH2 readthrough; plus strand). Cytogenetic location: Xq22.1.
Variant type: single nucleotide variant.
Coding change: c.826A>T on transcript NM_000169.3 (MANE Select); coding-DNA position 826, A replaced by T.
Protein change: p.Ser276Cys; replaces serine 276 with cysteine.
Molecular consequence: missense variant. On other transcripts: non-coding transcript variant (3), intron variant (2).
Genome position (GRCh38, 1-based): chrX:101,398,543, T>A on the plus strand (A>T on the coding strand, the complement: GLA is on the minus strand). VCF-style: chrX-101398543-T-A. GRCh37 (hg19) VCF-style: chrX-100653531-T-A.
Other names: c.949A>T, p.Ser317Cys (NM_001406747.1); c.826A>T, p.Ser276Cys (NM_001406748.1); c.300+3086T>A (NM_001199973.2); c.177+6721T>A (NM_001199974.2); short protein forms S276C, S317C.
Identifiers: ClinVar variation 4974928 (VCV004974928.1).